The following is an entry in ClinVar:

ClinVar aggregate classification (germline): Uncertain significance (1 of 4 stars; one submission).

Conditions:
Dilated cardiomyopathy 1DD (CMD1DD). Identifiers: Orphanet 154, MedGen C2750995, MONDO:0013168, OMIM 613172.

Allele frequency attached by ClinVar (database versions not stated): gnomAD 0.00001.
gnomAD v4.1: 1 of 1,551,556 alleles (0.000064%); highest among the groups gnomAD compares: East Asian, 0.0024%; no homozygotes.

Submission:

Labcorp Genetics (formerly Invitae), Labcorp
Classification: Uncertain significance for Dilated cardiomyopathy 1DD. Last evaluated: 2020-01-01. Review status: criteria provided, single submitter. Criteria: Invitae Variant Classification Sherloc (09022015). Collection method: clinical testing. Allele origin: germline.
Comment: This variant has not been reported in the literature in individuals with RBM20-related conditions. This variant is not present in population databases (ExAC no frequency). Algorithms developed to predict the effect of missense changes on protein structure and function are either unavailable or do not agree on the potential impact of this missense change (SIFT: "Not Available"; PolyPhen-2: "Probably Damaging"; Align-GVGD: "Class C0"). In summary, the available evidence is currently insufficient to determine the role of this variant in disease. Therefore, it has been classified as a Variant of Uncertain Significance. This sequence change replaces glycine with arginine at codon 220 of the RBM20 protein (p.Gly220Arg). The glycine residue is weakly conserved and there is a moderate physicochemical difference between glycine and arginine.

NM_001134363.3(RBM20):c.658G>A (p.Gly220Arg)

Gene: RBM20 (RNA binding motif protein 20; plus strand). Cytogenetic location: 10q25.2.
Variant type: single nucleotide variant.
Coding change: c.658G>A on transcript NM_001134363.3 (MANE Select); coding-DNA position 658, G replaced by A.
Protein change: p.Gly220Arg; replaces glycine 220 with arginine.
Molecular consequence: missense variant.
Genome position (GRCh38, 1-based): chr10:110,781,267, G>A. VCF-style: chr10-110781267-G-A. GRCh37 (hg19) VCF-style: chr10-112541025-G-A.
Other names: short protein forms G220R.
Identifiers: ClinVar variation 1054654 (VCV001054654.9), dbSNP rs1844340919, ClinGen allele CA378381947.